The following is an entry in ClinVar:

NM_006245.4(PPP2R5D):c.1765A>G (p.Lys589Glu)

Genes: MEA1 (male-enhanced antigen 1; minus strand), PPP2R5D (protein phosphatase 2 regulatory subunit B'delta; plus strand). Cytogenetic location: 6p21.1.
Variant type: single nucleotide variant.
Coding change: c.1765A>G on transcript NM_006245.4 (MANE Select); coding-DNA position 1765, A replaced by G.
Protein change: p.Lys589Glu; replaces lysine 589 with glutamic acid.
Molecular consequence: missense variant. On other transcripts: 3 prime UTR variant (1).
Genome position (GRCh38, 1-based): chr6:43,011,242, A>G. VCF-style: chr6-43011242-A-G. GRCh37 (hg19) VCF-style: chr6-42978980-A-G.
Other names: c.*1228T>C (NM_014623.4); c.1312A>G, p.Lys438Glu (NM_001270476.2); c.1669A>G, p.Lys557Glu (NM_180976.3); c.1447A>G, p.Lys483Glu (NM_180977.3); short protein forms K438E, K557E, K483E, K589E.
Identifiers: ClinVar variation 3728528 (VCV003728528.2).

ClinVar aggregate classification (germline): Uncertain significance (1 of 4 stars; one submission).

Submission:

Labcorp Genetics (formerly Invitae), Labcorp
Classification: Uncertain significance. Last evaluated: 2025-01-12. Review status: criteria provided, single submitter. Criteria: Invitae Variant Classification Sherloc (09022015). Collection method: clinical testing. Allele origin: germline.
Comment: This sequence change replaces lysine, which is basic and polar, with glutamic acid, which is acidic and polar, at codon 589 of the PPP2R5D protein (p.Lys589Glu). This variant is not present in population databases (gnomAD no frequency). This variant has not been reported in the literature in individuals affected with PPP2R5D-related conditions. An algorithm developed to predict the effect of missense changes on protein structure and function (PolyPhen-2) suggests that this variant is likely to be tolerated. In summary, the available evidence is currently insufficient to determine the role of this variant in disease. Therefore, it has been classified as a Variant of Uncertain Significance.